The following is an entry in ClinVar:

ClinVar aggregate classification (germline): Uncertain significance (1 of 4 stars; one submission).

Conditions:
Exostoses, multiple, type 2 (EXT2). Also called: EXOSTOSES, MULTIPLE, TYPE II; Hereditary Multiple Osteochondromatosis, Type II. Identifiers: Orphanet 321, MedGen C1851413, MONDO:0007586, OMIM 133701.
Seizures-scoliosis-macrocephaly syndrome. Also called: Seizures, scoliosis, and macrocephaly syndrome; SEIZURES, SCOLIOSIS, AND MACROCEPHALY/MICROCEPHALY SYNDROME. Identifiers: Orphanet 466926, MedGen C4225248, MONDO:0014731, OMIM 616682.

Submission:

Juno Genomics, Hangzhou Juno Genomics, Inc
Classification: Uncertain significance for Seizures-scoliosis-macrocephaly syndrome; Exostoses, multiple, type 2. Review status: criteria provided, single submitter. Criteria: ACMG Guidelines, 2015. Collection method: clinical testing. Allele origin: germline. Affected: yes.
Comment: Absent from controls (or at extremely low frequency if recessive) in Genome Aggregation Database.;Multiple lines of computational evidence support a deleterious effect on the gene or gene product.;Patient's phenotype or family history is highly specific for a disease with a single genetic etiology.

NM_207122.2(EXT2):c.1232T>C (p.Leu411Pro)

Gene: EXT2 (exostosin glycosyltransferase 2; plus strand). Cytogenetic location: 11p11.2.
Variant type: single nucleotide variant.
Coding change: c.1232T>C on transcript NM_207122.2 (MANE Select); coding-DNA position 1232, T replaced by C.
Protein change: p.Leu411Pro; replaces leucine 411 with proline.
Molecular consequence: missense variant. On other transcripts: intron variant (1).
Genome position (GRCh38, 1-based): chr11:44,171,669, T>C. VCF-style: chr11-44171669-T-C. GRCh37 (hg19) VCF-style: chr11-44193219-T-C.
Other names: c.1331T>C, p.Leu444Pro (NM_000401.3); c.1232T>C, p.Leu411Pro (NM_001389628.1, NM_001389630.1); c.1267-5T>C (NM_001178083.3); short protein forms L411P, L444P.
Identifiers: ClinVar variation 5018793 (VCV005018793.1).